The following is an entry in ClinVar:

NM_145290.4(ADGRA3):c.2842C>T (p.Arg948Cys)

Gene: ADGRA3 (adhesion G protein-coupled receptor A3; minus strand). Cytogenetic location: 4p15.2.
Variant type: single nucleotide variant.
Coding change: c.2842C>T on transcript NM_145290.4 (MANE Select); coding-DNA position 2842, C replaced by T.
Protein change: p.Arg948Cys; replaces arginine 948 with cysteine.
Molecular consequence: missense variant.
Genome position (GRCh38, 1-based): chr4:22,388,829, G>A on the plus strand (C>T on the coding strand, the complement: ADGRA3 is on the minus strand). VCF-style: chr4-22388829-G-A. GRCh37 (hg19) VCF-style: chr4-22390452-G-A.
Other names: short protein forms R948C.
Identifiers: ClinVar variation 3608490 (VCV003608490.2).

ClinVar aggregate classification (germline): Uncertain significance (1 of 4 stars; one submission).

gnomAD v4.1: 33 of 1,613,830 alleles (0.002%); highest among the groups gnomAD compares: Admixed American, 0.0033%; no homozygotes.

Submission:

Labcorp Genetics (formerly Invitae), Labcorp
Classification: Uncertain significance. Last evaluated: 2025-05-30. Review status: criteria provided, single submitter. Criteria: Invitae Variant Classification Sherloc (09022015). Collection method: clinical testing. Allele origin: germline.
Comment: This sequence change replaces arginine, which is basic and polar, with cysteine, which is neutral and slightly polar, at codon 948 of the ADGRA3 protein (p.Arg948Cys). This variant is present in population databases (rs761917636, gnomAD 0.008%). This variant has not been reported in the literature in individuals affected with ADGRA3-related conditions. ClinVar contains an entry for this variant (Variation ID: 3608490). An algorithm developed to predict the effect of missense changes on protein structure and function (PolyPhen-2) suggests that this variant is likely to be disruptive. In summary, the available evidence is currently insufficient to determine the role of this variant in disease. Therefore, it has been classified as a Variant of Uncertain Significance.